The following is an entry in ClinVar:

ClinVar aggregate classification (germline): Uncertain significance (1 of 4 stars; one submission).

Conditions:
Retinoblastoma (RB1). Also called: RETINOBLASTOMA, SOMATIC. Identifiers: Orphanet 790, MedGen C0035335, MeSH D012175, MONDO:0008380, OMIM 180200, HP:0009919. Disease mechanism: loss of function. Inheritance: Both sporadic and heritable forms are tested..

Submission:

Genetic Diagnostic Laboratory, University of Pennsylvania School of Medicine
Classification: Uncertain significance for Retinoblastoma. Last evaluated: 2024-05-20. Review status: criteria provided, single submitter. Criteria: ACMG Guidelines, 2015. Collection method: clinical testing. Allele origin: germline. Affected: yes. Observed: 1 variant allele.
Comment: Case and Pedigree Information: BILATERAL CASES:0, UNILATERAL CASES:1, TOTAL CASES:1, PEDIGREES:1. ACMG Codes Applied:PM1, PM2, PP3

NM_000321.3(RB1):c.1959A>T (p.Lys653Asn)

Gene: RB1 (RB transcriptional corepressor 1; plus strand). Cytogenetic location: 13q14.2.
Variant type: single nucleotide variant.
Coding change: c.1959A>T on transcript NM_000321.3 (MANE Select); coding-DNA position 1959, A replaced by T.
Protein change: p.Lys653Asn; replaces lysine 653 with asparagine.
Molecular consequence: missense variant.
Genome position (GRCh38, 1-based): chr13:48,456,348, A>T. VCF-style: chr13-48456348-A-T. GRCh37 (hg19) VCF-style: chr13-49030484-A-T.
Other names: c.1959A>T, p.Lys653Asn (NM_001407165.1); short protein forms K653N.
Identifiers: ClinVar variation 3237044 (VCV003237044.1), dbSNP rs2138331682.